The following is an entry in ClinVar:

ClinVar aggregate classification (germline): Uncertain significance (1 of 4 stars; one submission).

Conditions:
Familial thoracic aortic aneurysm and aortic dissection (TAAD). Also called: Thoracic aortic aneurysms and dissections. Identifiers: Orphanet 91387, MedGen C4707243, MONDO:0019625.

Submission:

Ambry Genetics
Classification: Uncertain significance for Familial thoracic aortic aneurysm and aortic dissection. Last evaluated: 2024-08-23. Review status: criteria provided, single submitter. Criteria: Ambry Variant Classification Scheme 2023. Collection method: clinical testing. Allele origin: germline.
Comment: The p.M2362T variant (also known as c.7085T>C), located in coding exon 34 of the NOTCH1 gene, results from a T to C substitution at nucleotide position 7085. The methionine at codon 2362 is replaced by threonine, an amino acid with similar properties. This amino acid position is conserved. In addition, the in silico prediction for this alteration is inconclusive. Based on the available evidence, the clinical significance of this variant remains unclear.

NM_017617.5(NOTCH1):c.7085T>C (p.Met2362Thr)

Gene: NOTCH1 (notch receptor 1; minus strand). Cytogenetic location: 9q34.3.
Variant type: single nucleotide variant.
Coding change: c.7085T>C on transcript NM_017617.5 (MANE Select); coding-DNA position 7085, T replaced by C.
Protein change: p.Met2362Thr; replaces methionine 2362 with threonine.
Molecular consequence: missense variant.
Genome position (GRCh38, 1-based): chr9:136,496,654, A>G on the plus strand (T>C on the coding strand, the complement: NOTCH1 is on the minus strand). VCF-style: chr9-136496654-A-G. GRCh37 (hg19) VCF-style: chr9-139391106-A-G.
Other names: short protein forms M2362T.
Identifiers: ClinVar variation 3406833 (VCV003406833.1).
Genomic context (GRCh38, chr9:136,496,654, plus strand): 5'-GTCTGCACCAGGTGAGGCTGGGTGGCCAGCCGGGTGCTGGGCAGGCCCTGGTAGCTCATC[A>G]TCTGGGACAGGGCGCTGGCAGCAAGGCTACTGTGCAGCGGGCCTACCATGCCATGCTGCA-3'
Protein context (NP_060087.3, residues 2352-2372): SSLAASALSQ[Met2362Thr]MSYQGLPSTR